The following is an entry in ClinVar:

ClinVar aggregate classification (germline): Uncertain significance (1 of 4 stars; one submission).

Conditions:
Hereditary cancer-predisposing syndrome. Also called: Neoplastic Syndromes, Hereditary; Tumor predisposition; Hereditary neoplastic syndrome; Hereditary Cancer Syndrome. Identifiers: Orphanet 140162, MedGen C0027672, MeSH D009386, MONDO:0015356.

Submission:

Ambry Genetics
Classification: Uncertain significance for Hereditary cancer-predisposing syndrome. Last evaluated: 2023-01-21. Review status: criteria provided, single submitter. Criteria: Ambry Variant Classification Scheme 2023. Collection method: clinical testing. Allele origin: germline.
Comment: The p.Y324D variant (also known as c.970T>G), located in coding exon 8 of the POT1 gene, results from a T to G substitution at nucleotide position 970. The tyrosine at codon 324 is replaced by aspartic acid, an amino acid with highly dissimilar properties. This amino acid position is conserved. In addition, this alteration is predicted to be tolerated by in silico analysis. Since supporting evidence is limited at this time, the clinical significance of this alteration remains unclear.

NM_015450.3(POT1):c.970T>G (p.Tyr324Asp)

Gene: POT1 (protection of telomeres 1; minus strand). Cytogenetic location: 7q31.33.
Variant type: single nucleotide variant.
Coding change: c.970T>G on transcript NM_015450.3 (MANE Select); coding-DNA position 970, T replaced by G.
Protein change: p.Tyr324Asp; replaces tyrosine 324 with aspartic acid.
Molecular consequence: missense variant. On other transcripts: non-coding transcript variant (3).
Genome position (GRCh38, 1-based): chr7:124,846,978, A>C on the plus strand (T>G on the coding strand, the complement: POT1 is on the minus strand). VCF-style: chr7-124846978-A-C. GRCh37 (hg19) VCF-style: chr7-124487032-A-C.
Other names: c.577T>G, p.Tyr193Asp (NM_001042594.2); short protein forms Y324D, Y193D.
Identifiers: ClinVar variation 2450549 (VCV002450549.2), dbSNP rs2485418552, ClinGen allele CA369053801.